The following is an entry in ClinVar:

ClinVar aggregate classification (germline): Uncertain significance. Review status: criteria provided, multiple submitters, no conflicts (2 of 4 stars). 2 submissions from 2 submitters: Uncertain significance (2). Last evaluated 2025-06-18.

Conditions:
Hyperkalemic periodic paralysis. Also called: Familial hyperkalemic periodic paralysis; Gamstorp disease. Identifiers: Orphanet 682, MedGen C0238357, MONDO:0008224, OMIM 170500, HP:0007215.
Inborn genetic diseases. Identifiers: MedGen C0950123, MeSH D030342.

gnomAD v4.1: 1 of 1,588,958 alleles (0.000063%); highest among the groups gnomAD compares: Non-Finnish European, 0.000086%; no homozygotes.

Submissions (2):

Ambry Genetics
Classification: Uncertain significance for Inborn genetic diseases. Last evaluated: 2025-06-18. Review status: criteria provided, single submitter. Criteria: Ambry Variant Classification Scheme 2023. Collection method: clinical testing. Allele origin: germline.

Labcorp Genetics (formerly Invitae), Labcorp
Classification: Uncertain significance for Hyperkalemic periodic paralysis. Last evaluated: 2024-04-29. Review status: criteria provided, single submitter. Criteria: Invitae Variant Classification Sherloc (09022015). Collection method: clinical testing. Allele origin: germline.
Comment: This sequence change replaces arginine, which is basic and polar, with serine, which is neutral and polar, at codon 1828 of the SCN4A protein (p.Arg1828Ser). This variant is not present in population databases (gnomAD no frequency). This variant has not been reported in the literature in individuals affected with SCN4A-related conditions. Advanced modeling of protein sequence and biophysical properties (such as structural, functional, and spatial information, amino acid conservation, physicochemical variation, residue mobility, and thermodynamic stability) has been performed at Invitae for this missense variant, however the output from this modeling did not meet the statistical confidence thresholds required to predict the impact of this variant on SCN4A protein function. In summary, the available evidence is currently insufficient to determine the role of this variant in disease. Therefore, it has been classified as a Variant of Uncertain Significance.

NM_000334.4(SCN4A):c.5482C>A (p.Arg1828Ser)

Genes: GH-LCR (growth hormone locus control region; plus strand), SCN4A (sodium voltage-gated channel alpha subunit 4; minus strand). Cytogenetic location: 17q23.3.
Variant type: single nucleotide variant.
Coding change: c.5482C>A on transcript NM_000334.4 (MANE Select); coding-DNA position 5482, C replaced by A.
Protein change: p.Arg1828Ser; replaces arginine 1828 with serine.
Molecular consequence: missense variant.
Genome position (GRCh38, 1-based): chr17:63,940,800, G>T on the plus strand (C>A on the coding strand, the complement: SCN4A is on the minus strand). VCF-style: chr17-63940800-G-T. GRCh37 (hg19) VCF-style: chr17-62018160-G-T.
Other names: short protein forms R1828S.
Identifiers: ClinVar variation 3651594 (VCV003651594.3).